The following is an entry in ClinVar:

NM_025114.4(CEP290):c.305A>G (p.Gln102Arg)

Gene: CEP290 (centrosomal protein 290; minus strand). Cytogenetic location: 12q21.32.
Variant type: single nucleotide variant.
Coding change: c.305A>G on transcript NM_025114.4 (MANE Select); coding-DNA position 305, A replaced by G.
Protein change: p.Gln102Arg; replaces glutamine 102 with arginine.
Molecular consequence: missense variant.
Genome position (GRCh38, 1-based): chr12:88,136,779, T>C on the plus strand (A>G on the coding strand, the complement: CEP290 is on the minus strand). VCF-style: chr12-88136779-T-C. GRCh37 (hg19) VCF-style: chr12-88530556-T-C.
Other names: short protein forms Q102R.
Identifiers: ClinVar variation 2938557 (VCV002938557.3), dbSNP rs2501714367, ClinGen allele CA385987810.
Genomic context (GRCh38, chr12:88,136,779, plus strand): 5'-TTTTCAAGTTGGCAAATTTCATTACGTAAAAACCGAGTATCTCGTCCACCTGCAGACTGC[T>C]GAGCCATCTTAAAGTAATAAACCCAAAGTATAAATTAATCCCATTATATTTTGAGGTTCA-3'
Protein context (NP_079390.3, residues 92-112): MKLENELEMA[Gln102Arg]QSAGGRDTRF

ClinVar aggregate classification (germline): Uncertain significance (1 of 4 stars; one submission).

Conditions:
Joubert syndrome. Also called: CEREBELLOPARENCHYMAL DISORDER IV; JOUBERT-BOLTSHAUSER SYNDROME; Familial aplasia of the vermis. Identifiers: Orphanet 475, MedGen C5979921, MONDO:0018772.
Nephronophthisis. Also called: Juvenile Nephronophthisis. Identifiers: Orphanet 655, MedGen C0687120, MONDO:0019005, HP:0000090.
Meckel-Gruber syndrome. Also called: DYSENCEPHALIA SPLANCHNOCYSTICA; GRUBER SYNDROME; Dysencephalia splachnocystica. Identifiers: Orphanet 564, MedGen C0265215, MONDO:0018921.

Allele frequency attached by ClinVar (database versions not stated): gnomAD exomes below 0.00001.

Submission:

Labcorp Genetics (formerly Invitae), Labcorp
Classification: Uncertain significance for Joubert syndrome; Meckel-Gruber syndrome; Nephronophthisis. Last evaluated: 2024-11-05. Review status: criteria provided, single submitter. Criteria: Invitae Variant Classification Sherloc (09022015). Collection method: clinical testing. Allele origin: germline.
Comment: This sequence change replaces glutamine, which is neutral and polar, with arginine, which is basic and polar, at codon 102 of the CEP290 protein (p.Gln102Arg). This variant is not present in population databases (gnomAD no frequency). This variant has not been reported in the literature in individuals affected with CEP290-related conditions. ClinVar contains an entry for this variant (Variation ID: 2938557). An algorithm developed to predict the effect of missense changes on protein structure and function (PolyPhen-2) suggests that this variant is likely to be tolerated. In summary, the available evidence is currently insufficient to determine the role of this variant in disease. Therefore, it has been classified as a Variant of Uncertain Significance.